The following is an entry in ClinVar:

ClinVar aggregate classification (germline): Uncertain significance (1 of 4 stars; one submission).

Conditions:
EAST syndrome (SESAMES). Also called: SEIZURES, SENSORINEURAL DEAFNESS, ATAXIA, IMPAIRED INTELLECTUAL DEVELOPMENT, AND ELECTROLYTE IMBALANCE. Identifiers: Orphanet 199343, MedGen C2748572, MONDO:0013005, OMIM 612780.

Submission:

Labcorp Genetics (formerly Invitae), Labcorp
Classification: Uncertain significance for EAST syndrome. Last evaluated: 2024-11-03. Review status: criteria provided, single submitter. Criteria: Invitae Variant Classification Sherloc (09022015). Collection method: clinical testing. Allele origin: germline.
Comment: This sequence change replaces glutamic acid, which is acidic and polar, with lysine, which is basic and polar, at codon 225 of the KCNJ10 protein (p.Glu225Lys). This variant is not present in population databases (gnomAD no frequency). This variant has not been reported in the literature in individuals affected with KCNJ10-related conditions. Invitae Evidence Modeling of protein sequence and biophysical properties (such as structural, functional, and spatial information, amino acid conservation, physicochemical variation, residue mobility, and thermodynamic stability) has been performed for this missense variant. However, the output from this modeling did not meet the statistical confidence thresholds required to predict the impact of this variant on KCNJ10 protein function. In summary, the available evidence is currently insufficient to determine the role of this variant in disease. Therefore, it has been classified as a Variant of Uncertain Significance.

NM_002241.5(KCNJ10):c.673G>A (p.Glu225Lys)

Gene: KCNJ10 (potassium inwardly rectifying channel subfamily J member 10; minus strand). Cytogenetic location: 1q23.2.
Variant type: single nucleotide variant.
Coding change: c.673G>A on transcript NM_002241.5 (MANE Select); coding-DNA position 673, G replaced by A.
Protein change: p.Glu225Lys; replaces glutamic acid 225 with lysine.
Molecular consequence: missense variant.
Genome position (GRCh38, 1-based): chr1:160,041,860, C>T on the plus strand (G>A on the coding strand, the complement: KCNJ10 is on the minus strand). VCF-style: chr1-160041860-C-T. GRCh37 (hg19) VCF-style: chr1-160011650-C-T.
Other names: short protein forms E225K.
Identifiers: ClinVar variation 3720452 (VCV003720452.2).
Genomic context (GRCh38, chr1:160,041,860, plus strand): 5'-CAGAGGCTGTGTCTACTTGGAAAGTCACATTGACCTGGTTGAGCCGGATGTTCTCCCCTT[C>T]CTTGGTTTGGTGGGTCTGAAGCAGTTTTCCTGTCACCTGGCAGCCAATGAGGAGGCTTTT-3'
Protein context (NP_002232.2, residues 215-235): GKLLQTHQTK[Glu225Lys]GENIRLNQVN